The following is an entry in ClinVar:

NM_030957.4(ADAMTS10):c.560A>G (p.His187Arg)

Gene: ADAMTS10 (ADAM metallopeptidase with thrombospondin type 1 motif 10; minus strand). Cytogenetic location: 19p13.2.
Variant type: single nucleotide variant.
Coding change: c.560A>G on transcript NM_030957.4 (MANE Select); coding-DNA position 560, A replaced by G.
Protein change: p.His187Arg; replaces histidine 187 with arginine.
Molecular consequence: missense variant.
Genome position (GRCh38, 1-based): chr19:8,603,760, T>C on the plus strand (A>G on the coding strand, the complement: ADAMTS10 is on the minus strand). VCF-style: chr19-8603760-T-C. GRCh37 (hg19) VCF-style: chr19-8668644-T-C.
Other names: short protein forms H187R.
Identifiers: ClinVar variation 1949513 (VCV001949513.5), dbSNP rs782769457, ClinGen allele CA403756976.
Genomic context (GRCh38, chr19:8,603,760, plus strand): 5'-CTGCCCATCCCCAGAAAGACCGATGTACCTCTCACTCCACAGGCTGTGTCCAGGTGGGGG[T>C]GACGCAGAGAGGAACGCTTGTACACCACATGTGGTCCACTTTCCTCCGGGCTCCGAGAAC-3'
Protein context (NP_112219.3, residues 177-197): HVVYKRSSLR[His187Arg]PHLDTACGVR

ClinVar aggregate classification (germline): Uncertain significance (1 of 4 stars; one submission).

Allele frequency attached by ClinVar (database versions not stated): TOPMed below 0.00001.

Submission:

Labcorp Genetics (formerly Invitae), Labcorp
Classification: Uncertain significance. Last evaluated: 2022-01-13. Review status: criteria provided, single submitter. Criteria: Invitae Variant Classification Sherloc (09022015). Collection method: clinical testing. Allele origin: germline.
Comment: In summary, the available evidence is currently insufficient to determine the role of this variant in disease. Therefore, it has been classified as a Variant of Uncertain Significance. Algorithms developed to predict the effect of missense changes on protein structure and function (SIFT, PolyPhen-2, Align-GVGD) all suggest that this variant is likely to be tolerated. This variant has not been reported in the literature in individuals affected with ADAMTS10-related conditions. This variant is not present in population databases (gnomAD no frequency). This sequence change replaces histidine, which is basic and polar, with arginine, which is basic and polar, at codon 187 of the ADAMTS10 protein (p.His187Arg).